The following is an entry in ClinVar:

ClinVar aggregate classification (germline): Uncertain significance (1 of 4 stars; one submission).

Conditions:
Sulfite oxidase deficiency due to molybdenum cofactor deficiency type C. Also called: Molybdenum cofactor deficiency, complementation group C; Molybdenum cofactor deficiency C. Identifiers: Orphanet 308400, Orphanet 833, MedGen C1854990, MONDO:0014212, OMIM 615501.

Submission:

Labcorp Genetics (formerly Invitae), Labcorp
Classification: Uncertain significance for Sulfite oxidase deficiency due to molybdenum cofactor deficiency type C. Last evaluated: 2024-05-06. Review status: criteria provided, single submitter. Criteria: Invitae Variant Classification Sherloc (09022015). Collection method: clinical testing. Allele origin: germline.
Comment: This sequence change falls in intron 7 of the GPHN gene. It does not directly change the encoded amino acid sequence of the GPHN protein. This variant is not present in population databases (gnomAD no frequency). This variant has not been reported in the literature in individuals affected with GPHN-related conditions. Algorithms developed to predict the effect of sequence changes on RNA splicing suggest that this variant may disrupt the consensus splice site. In summary, the available evidence is currently insufficient to determine the role of this variant in disease. Therefore, it has been classified as a Variant of Uncertain Significance.

NM_020806.5(GPHN):c.730-19_730-18del

Gene: GPHN (gephyrin; plus strand). Cytogenetic location: 14q23.3.
Variant type: Deletion.
Coding change: c.730-19_730-18del on transcript NM_020806.5 (MANE Select); 19 bases into the intron before coding-DNA position 730 through 18 bases into the intron before coding-DNA position 730, 2 bases deleted (GT; older notation c.730-19_730-18delGT).
Molecular consequence: intron variant.
Genome position (GRCh38, 1-based): chr14:66,924,175-66,924,176, GT deleted; deleting any 2 consecutive bases within chr14:66,924,174-66,924,176 gives the same sequence; the c. name uses the placement nearest the transcript's 3' end. VCF-style (leftmost placement, unchanged base first): chr14-66924173-TTG-T. GRCh37 (hg19) VCF-style: chr14-67390890-TTG-T.
Other names: c.768+1237_768+1238del (NM_001377514.1, NM_001377519.1); c.729+1237_729+1238del (NM_001377515.1, NM_001377516.1, NM_001377518.1 and 2 more transcripts).
Identifiers: ClinVar variation 3652314 (VCV003652314.2).
Genomic context (GRCh38, chr14:66,924,173, plus strand): 5'-TTTTCCTTTTTAGTCATTTTGCTTGTATAGTTTCATGTTTTCCTGTCACTATATTCATAG[TTG>T]TTATGTGTTGTGCATTAGAAGCATCCATTCTACACCAGTCCTGCTGTTGTCATGGCACAC-3'